The following is an entry in ClinVar:

ClinVar aggregate classification (germline): Likely benign (1 of 4 stars; one submission).

Submission:

CeGaT Center for Human Genetics Tuebingen
Classification: Likely benign. Last evaluated: 2022-08-01. Review status: criteria provided, single submitter. Criteria: CeGaT Center For Human Genetics Tuebingen Variant Classification Criteria Version 2. Collection method: clinical testing. Allele origin: germline. Affected: yes. Observed: 1 variant allele.
Comment: NUP62CL: PM2:Supporting, BP4, BP7

NM_017681.3(NUP62CL):c.219A>G (p.Thr73=)

Gene: NUP62CL (nucleoporin 62 C-terminal like; minus strand). Cytogenetic location: Xq22.3.
Variant type: single nucleotide variant.
Coding change: c.219A>G on transcript NM_017681.3 (MANE Select); coding-DNA position 219, A replaced by G.
Protein change: p.Thr73=; no amino-acid change (threonine 73 retained).
Molecular consequence: synonymous variant.
Genome position (GRCh38, 1-based): chrX:107,154,222, T>C on the plus strand (A>G on the coding strand, the complement: NUP62CL is on the minus strand). VCF-style: chrX-107154222-T-C. GRCh37 (hg19) VCF-style: chrX-106397452-T-C.
Identifiers: ClinVar variation 2661144 (VCV002661144.24), dbSNP rs2522726597, ClinGen allele CA517966413.